The following is an entry in ClinVar:

NM_000492.4(CFTR):c.3718-3T>G

Genes: CFTR (CF transmembrane conductance regulator; plus strand), CFTR-AS2 (CFTR antisense RNA 2; minus strand). Cytogenetic location: 7q31.2.
Variant type: single nucleotide variant.
Coding change: c.3718-3T>G on transcript NM_000492.4 (MANE Select); 3 bases into the intron before coding-DNA position 3718, T replaced by G.
Molecular consequence: intron variant.
Genome position (GRCh38, 1-based): chr7:117,642,435, T>G. VCF-style: chr7-117642435-T-G. GRCh37 (hg19) VCF-style: chr7-117282489-T-G.
Other names: 3850-3T->G.
Identifiers: ClinVar variation 53793 (VCV000053793.15), dbSNP rs397508596, ClinGen allele CA327260.
Genomic context (GRCh38, chr7:117,642,435, plus strand): 5'-AATTATGTTTATGGCATGGTACCTATATGTCACAGAAGTGATCCCATCACTTTTACCTTA[T>G]AGGTGGGCCTCTTGGGAAGAACTGGATCAGGGAAGAGTACTTTGTTATCAGCTTTTTTGA-3'

ClinVar aggregate classification (germline): Pathogenic. Review status: reviewed by expert panel (3 of 4 stars). 6 submissions from 6 submitters: Pathogenic (1). 5 of the submissions do not count toward it. Last evaluated 2017-03-17.

Conditions:
Bronchiectasis with or without elevated sweat chloride 1 (BESC1). Also called: Cystic Fibrosis-Like Syndrome. Identifiers: Orphanet 60033, MedGen C2749757, MONDO:0008887, OMIM 211400.
Cystic fibrosis (CF). Also called: MUCOVISCIDOSIS. Identifiers: Orphanet 586, MedGen C0010674, MONDO:0009061, OMIM 219700. Disease mechanism: loss of function.

Submissions (6):

CFTR2
Classification: Pathogenic for Cystic fibrosis. Last evaluated: 2017-03-17. Review status: reviewed by expert panel. Criteria: Sosnay PR et al. (Nat Genet 2013). Collection method: research. Allele origin: germline. Affected: yes. Study: CFTR2.

Institute of Human Genetics, University of Leipzig Medical Center
Classification: Likely pathogenic for Cystic fibrosis. Last evaluated: 2026-03-13. Review status: criteria provided, single submitter. Criteria: ACMG Guidelines, 2015. Collection method: clinical testing. Allele origin: unknown. Inheritance: Autosomal recessive inheritance. Affected: yes. Not counted in ClinVar's aggregate classification.
Comment: Criteria applied: PM3_STR,PM2,PP3,PP4

Baylor Genetics
Classification: Pathogenic for Bronchiectasis with or without elevated sweat chloride 1. Last evaluated: 2024-02-05. Review status: criteria provided, single submitter. Criteria: ACMG Guidelines, 2015. Collection method: clinical testing. Allele origin: unknown. Not counted in ClinVar's aggregate classification.

Labcorp Genetics (formerly Invitae), Labcorp
Classification: Pathogenic for Cystic fibrosis. Last evaluated: 2020-03-23. Review status: criteria provided, single submitter. Criteria: Invitae Variant Classification Sherloc (09022015). Collection method: clinical testing. Allele origin: germline. Not counted in ClinVar's aggregate classification.
Comment: For these reasons, this variant has been classified as Pathogenic. Nucleotide substitutions within the consensus splice site are a relatively common cause of aberrant splicing (PMID: 17576681, 9536098). Algorithms developed to predict the effect of sequence changes on RNA splicing suggest that this variant may disrupt the consensus splice site, but this prediction has not been confirmed by published transcriptional studies. This variant has been observed in individual(s) with cystic fibrosis (PMID: 7682196, 30296588). In at least one individual the data is consistent with the variant being in trans (on the opposite chromosome) from a pathogenic variant. This variant is also known as 3850-3 T>G in the literature. ClinVar contains an entry for this variant (Variation ID: 53793). This variant is present in population databases (rs397508596, ExAC 0.002%). This sequence change falls in intron 22 of the CFTR gene. It does not directly change the encoded amino acid sequence of the CFTR protein, but it affects a nucleotide within the consensus splice site of the intron.

Johns Hopkins Genomics, Johns Hopkins University
Classification: Pathogenic for Cystic fibrosis. Last evaluated: 2019-10-16. Review status: criteria provided, single submitter. Criteria: ACMG Guidelines, 2015. Collection method: clinical testing. Allele origin: germline. Not counted in ClinVar's aggregate classification.
Comment: Disease-causing CFTR variant. See CFTR2 for phenotype information.

Natera, Inc.
Classification: Pathogenic for Cystic Fibrosis. Last evaluated: 2020-09-16. Review status: no assertion criteria provided. Collection method: clinical testing. Allele origin: germline. Not counted in ClinVar's aggregate classification.

Literature cited by the submitters: PubMed 17576681 (cited by Labcorp Genetics (formerly Invitae), Labcorp); PubMed 9536098 (cited by Labcorp Genetics (formerly Invitae), Labcorp); PubMed 7682196 (cited by Labcorp Genetics (formerly Invitae), Labcorp); PubMed 30296588 (cited by Labcorp Genetics (formerly Invitae), Labcorp).